The following is an entry in ClinVar:

ClinVar aggregate classification (germline): Benign/Likely benign. Review status: criteria provided, multiple submitters, no conflicts (2 of 4 stars). 6 submissions from 6 submitters: Benign (1); Likely benign (5). Last evaluated 2025-12-29.

Conditions:
Familial cancer of breast. Also called: BREAST CANCER, FAMILIAL; hereditary breast carcinoma; Hereditary breast cancer. Identifiers: Orphanet 227535, MedGen C0346153, MONDO:0016419, OMIM 114480. Disease mechanism: loss of function.
Hereditary cancer-predisposing syndrome. Also called: Tumor predisposition; Hereditary Cancer Syndrome; Hereditary neoplastic syndrome; Neoplastic Syndromes, Hereditary. Identifiers: Orphanet 140162, MedGen C0027672, MeSH D009386, MONDO:0015356.
Ataxia-telangiectasia syndrome (AT). Also called: LOUIS-BAR SYNDROME; Cerebello-oculocutaneous telangiectasia; Immunodeficiency with ataxia telangiectasia; ATAXIA-TELANGIECTASIA, COMPLEMENTATION GROUP A; ATAXIA-TELANGIECTASIA, FRESNO VARIANT; Ataxia-telangiectasia. Identifiers: Orphanet 100, MedGen C0004135, MONDO:0008840, OMIM 208900.

Allele frequency attached by ClinVar (database versions not stated): gnomAD exomes below 0.00001 and 0.00001; ExAC 0.00001.
gnomAD v4.1: 3 of 1,613,634 alleles (0.00019%); highest among the groups gnomAD compares: Non-Finnish European, 0.00025%; no homozygotes.

Submissions (6):

Center for Genomic Medicine, Rigshospitalet, Copenhagen University Hospital
Classification: Likely benign. Last evaluated: 2025-12-29. Review status: criteria provided, single submitter. Criteria: ACMG Guidelines, 2015. Collection method: clinical testing. Allele origin: germline.
Comment: Classification criteria: BP4, BP7

Labcorp Genetics (formerly Invitae), Labcorp
Classification: Likely benign for Ataxia-telangiectasia syndrome. Last evaluated: 2025-11-10. Review status: criteria provided, single submitter. Criteria: Invitae Variant Classification Sherloc (09022015). Collection method: clinical testing. Allele origin: germline.

Women's Health and Genetics/Laboratory Corporation of America, LabCorp
Classification: Likely benign. Last evaluated: 2025-10-11. Review status: criteria provided, single submitter. Criteria: LabCorp Variant Classification Summary - May 2015. Collection method: clinical testing. Allele origin: germline.

Myriad Genetics, Inc.
Classification: Benign for Familial cancer of breast. Last evaluated: 2024-05-13. Review status: criteria provided, single submitter. Criteria: Myriad Autosomal Dominant, Autosomal Recessive and X-Linked Classification Criteria (2023). Collection method: clinical testing. Allele origin: unknown.
Comment: This variant is considered benign. This variant is a silent/synonymous amino acid change and it is not expected to impact splicing.

Department of Pathology and Laboratory Medicine, Sinai Health System
Classification: Likely benign for Familial cancer of breast. Last evaluated: 2024-04-08. Review status: criteria provided, single submitter. Criteria: ACMG Guidelines, 2015. Collection method: clinical testing. Allele origin: germline. Affected: yes.

Ambry Genetics
Classification: Likely benign for Hereditary cancer-predisposing syndrome. Last evaluated: 2015-01-23. Review status: criteria provided, single submitter. Criteria: Ambry Variant Classification Scheme 2023. Collection method: clinical testing. Allele origin: germline.

NM_000051.4(ATM):c.3135C>T (p.Cys1045=)

Gene: ATM (ATM serine/threonine kinase; plus strand). Cytogenetic location: 11q22.3.
Variant type: single nucleotide variant.
Coding change: c.3135C>T on transcript NM_000051.4 (MANE Select); coding-DNA position 3135, C replaced by T.
Protein change: p.Cys1045=; no amino-acid change (cysteine 1045 retained).
Molecular consequence: synonymous variant.
Genome position (GRCh38, 1-based): chr11:108,272,589, C>T. VCF-style: chr11-108272589-C-T. GRCh37 (hg19) VCF-style: chr11-108143316-C-T.
Other names: c.3135C>T, p.Cys1045= (NM_001351834.2).
Identifiers: ClinVar variation 184554 (VCV000184554.20), dbSNP rs773577455, ClinGen allele CA189285.